The following is an entry in ClinVar:

NM_032444.4(SLX4):c.320C>T (p.Ala107Val)

Gene: SLX4 (SLX4 structure-specific endonuclease subunit; minus strand). Cytogenetic location: 16p13.3.
Variant type: single nucleotide variant.
Coding change: c.320C>T on transcript NM_032444.4 (MANE Select); coding-DNA position 320, C replaced by T.
Protein change: p.Ala107Val; replaces alanine 107 with valine.
Molecular consequence: missense variant.
Genome position (GRCh38, 1-based): chr16:3,608,645, G>A on the plus strand (C>T on the coding strand, the complement: SLX4 is on the minus strand). VCF-style: chr16-3608645-G-A. GRCh37 (hg19) VCF-style: chr16-3658646-G-A.
Other names: short protein forms A107V.
Identifiers: ClinVar variation 935054 (VCV000935054.8), dbSNP rs2040813512, ClinGen allele CA394547472.

ClinVar aggregate classification (germline): Uncertain significance. Review status: criteria provided, multiple submitters, no conflicts (2 of 4 stars). 2 submissions from 2 submitters: Uncertain significance (2). Last evaluated 2022-07-18.

Conditions:
Fanconi anemia complementation group P. Also called: SLX4-Related Fanconi Anemia. Identifiers: Orphanet 84, MedGen C3469542, MONDO:0013499, OMIM 613951.
Fanconi anemia (FA). Also called: Fanconi's anemia. Identifiers: Orphanet 84, MedGen C0015625, MeSH D005199, MONDO:0019391.

Allele frequency attached by ClinVar (database versions not stated): gnomAD exomes below 0.00001; TOPMed below 0.00001.
gnomAD v4.1: 2 of 1,614,174 alleles (0.00012%); highest among the groups gnomAD compares: Admixed American, 0.0017%; no homozygotes.

Submissions (2):

Labcorp Genetics (formerly Invitae), Labcorp
Classification: Uncertain significance for Fanconi anemia. Last evaluated: 2022-07-18. Review status: criteria provided, single submitter. Criteria: Invitae Variant Classification Sherloc (09022015). Collection method: clinical testing. Allele origin: germline.
Comment: This sequence change replaces alanine, which is neutral and non-polar, with valine, which is neutral and non-polar, at codon 107 of the SLX4 protein (p.Ala107Val). This variant is not present in population databases (gnomAD no frequency). This variant has not been reported in the literature in individuals affected with SLX4-related conditions. ClinVar contains an entry for this variant (Variation ID: 935054). Algorithms developed to predict the effect of missense changes on protein structure and function output the following: SIFT: "Tolerated"; PolyPhen-2: "Benign"; Align-GVGD: "Class C0". The valine amino acid residue is found in multiple mammalian species, which suggests that this missense change does not adversely affect protein function. In summary, the available evidence is currently insufficient to determine the role of this variant in disease. Therefore, it has been classified as a Variant of Uncertain Significance.

Fulgent Genetics
Classification: Uncertain significance for Fanconi anemia complementation group P. Last evaluated: 2021-07-27. Review status: criteria provided, single submitter. Criteria: ACMG Guidelines, 2015. Collection method: clinical testing. Allele origin: unknown.